The following is an entry in ClinVar:

ClinVar aggregate classification (germline): Uncertain significance. Review status: criteria provided, single submitter (1 of 4 stars). 2 submissions from 2 submitters: Uncertain significance (1). 1 of the submissions does not count toward it. Last evaluated 2024-12-17.

Conditions:
Usher syndrome type 1 (USH1). Also called: RETINITIS PIGMENTOSA AND CONGENITAL DEAFNESS. Identifiers: Orphanet 231169, Orphanet 886, MedGen C1568247, MONDO:0010168, OMIM 276900.

Allele frequency attached by ClinVar (database versions not stated): gnomAD 0.00001; TOPMed 0.00003.
gnomAD v4.1: 3 of 1,599,826 alleles (0.00019%); highest among the groups gnomAD compares: Admixed American, 0.0051%; no homozygotes.

Submissions (2):

Labcorp Genetics (formerly Invitae), Labcorp
Classification: Uncertain significance. Last evaluated: 2024-12-17. Review status: criteria provided, single submitter. Criteria: Invitae Variant Classification Sherloc (09022015). Collection method: clinical testing. Allele origin: germline.
Comment: This sequence change replaces valine, which is neutral and non-polar, with leucine, which is neutral and non-polar, at codon 2612 of the CDH23 protein (p.Val2612Leu). This variant is present in population databases (no rsID available, gnomAD 0.003%). This missense change has been observed in individual(s) with clinical features of CDH23-related conditions (PMID: 37895187). ClinVar contains an entry for this variant (Variation ID: 1046145). Invitae Evidence Modeling of protein sequence and biophysical properties (such as structural, functional, and spatial information, amino acid conservation, physicochemical variation, residue mobility, and thermodynamic stability) has been performed for this missense variant. However, the output from this modeling did not meet the statistical confidence thresholds required to predict the impact of this variant on CDH23 protein function. In summary, the available evidence is currently insufficient to determine the role of this variant in disease. Therefore, it has been classified as a Variant of Uncertain Significance.

Natera, Inc.
Classification: Uncertain significance for Usher syndrome type 1. Last evaluated: 2020-02-25. Review status: no assertion criteria provided. Collection method: clinical testing. Allele origin: germline. Not counted in ClinVar's aggregate classification.

Literature cited by the submitters: PubMed 37895187 (cited by Labcorp Genetics (formerly Invitae), Labcorp).

NM_022124.6(CDH23):c.7834G>T (p.Val2612Leu)

Gene: CDH23 (cadherin related 23; plus strand). Cytogenetic location: 10q22.1.
Variant type: single nucleotide variant.
Coding change: c.7834G>T on transcript NM_022124.6 (MANE Select); coding-DNA position 7834, G replaced by T.
Protein change: p.Val2612Leu; replaces valine 2612 with leucine.
Molecular consequence: missense variant.
Genome position (GRCh38, 1-based): chr10:71,803,382, G>T. VCF-style: chr10-71803382-G-T. GRCh37 (hg19) VCF-style: chr10-73563139-G-T.
Other names: c.1114G>T, p.Val372Leu (NM_001171933.1, NM_001171934.1); short protein forms V2612L, V372L.
Identifiers: ClinVar variation 1046145 (VCV001046145.4), dbSNP rs1274482381, ClinGen allele CA377161605.